The following is an entry in ClinVar:

NM_012431.3(SEMA3E):c.1177A>T (p.Thr393Ser)

Gene: SEMA3E (semaphorin 3E; minus strand). Cytogenetic location: 7q21.11.
Variant type: single nucleotide variant.
Coding change: c.1177A>T on transcript NM_012431.3 (MANE Select); coding-DNA position 1177, A replaced by T.
Protein change: p.Thr393Ser; replaces threonine 393 with serine.
Molecular consequence: missense variant.
Genome position (GRCh38, 1-based): chr7:83,400,217, T>A on the plus strand (A>T on the coding strand, the complement: SEMA3E is on the minus strand). VCF-style: chr7-83400217-T-A. GRCh37 (hg19) VCF-style: chr7-83029533-T-A.
Other names: c.1177A>T (NM_012431.2); c.997A>T, p.Thr333Ser (NM_001178129.2); short protein forms T393S, T333S.
Identifiers: ClinVar variation 1449913 (VCV001449913.11), dbSNP rs1027331615, ClinGen allele CA161167125.

ClinVar aggregate classification (germline): Uncertain significance. Review status: criteria provided, multiple submitters, no conflicts (2 of 4 stars). 3 submissions from 3 submitters: Uncertain significance (2). 1 of the submissions does not count toward it. Last evaluated 2025-01-23.

Conditions:
Hypogonadotropic hypogonadism 7 with or without anosmia (HH7). Also called: GNRHR-Related GnRH Deficiency; HYPOGONADOTROPIC HYPOGONADISM 7 WITHOUT ANOSMIA. Identifiers: Orphanet 432, MedGen C0342384, MONDO:0007794, OMIM 146110.
CHARGE syndrome (CHARGE). Also called: Coloboma, heart anomaly, choanal atresia, retardation, genital and ear anomalies; CHARGE association; Hall-Hittner syndrome; Hittner Hirsch Kreh syndrome; CHARGE ASSOCIATION--COLOBOMA, HEART ANOMALY, CHOANAL ATRESIA, RETARDATION, GENITAL AND EAR ANOMALIES. Identifiers: Orphanet 138, MedGen C0265354, MONDO:0008965.
SEMA3E-related disorder. Also called: SEMA3E-related condition.

Allele frequency attached by ClinVar (database versions not stated): gnomAD exomes below 0.00001; TOPMed below 0.00001.
gnomAD v4.1: 8 of 1,613,976 alleles (0.0005%); highest among the groups gnomAD compares: East Asian, 0.0067%; no homozygotes.

Submissions (3):

Labcorp Genetics (formerly Invitae), Labcorp
Classification: Uncertain significance for CHARGE syndrome. Last evaluated: 2025-01-23. Review status: criteria provided, single submitter. Criteria: Invitae Variant Classification Sherloc (09022015). Collection method: clinical testing. Allele origin: germline.
Comment: This sequence change replaces threonine, which is neutral and polar, with serine, which is neutral and polar, at codon 393 of the SEMA3E protein (p.Thr393Ser). This variant is present in population databases (no rsID available, gnomAD no frequency). This variant has not been reported in the literature in individuals affected with SEMA3E-related conditions. ClinVar contains an entry for this variant (Variation ID: 1449913). An algorithm developed to predict the effect of missense changes on protein structure and function outputs the following: PolyPhen-2: "Benign". The serine amino acid residue is found in multiple mammalian species, which suggests that this missense change does not adversely affect protein function. In summary, the available evidence is currently insufficient to determine the role of this variant in disease. Therefore, it has been classified as a Variant of Uncertain Significance.

Fulgent Genetics
Classification: Uncertain significance for Hypogonadotropic hypogonadism 7 with or without anosmia; CHD7-related CHARGE syndrome. Last evaluated: 2022-04-15. Review status: criteria provided, single submitter. Criteria: ACMG Guidelines, 2015. Collection method: clinical testing. Allele origin: unknown.

PreventionGenetics, part of Exact Sciences
Classification: Uncertain significance for SEMA3E-related condition. Last evaluated: 2024-02-21. Review status: no assertion criteria provided. Collection method: clinical testing. Allele origin: germline. Not counted in ClinVar's aggregate classification.
Comment: The SEMA3E c.1177A>T variant is predicted to result in the amino acid substitution p.Thr393Ser. To our knowledge, this variant has not been reported in the literature. This variant is reported in 0.0% of alleles in individuals of African descent in gnomAD. At this time, the clinical significance of this variant is uncertain due to the absence of conclusive functional and genetic evidence.